The following is an entry in ClinVar:

ClinVar aggregate classification (germline): Uncertain significance. Review status: criteria provided, single submitter (1 of 4 stars). 2 submissions from 1 submitter: Uncertain significance (1). 1 of the submissions does not count toward it. Last evaluated 2017-12-01.

Conditions:
Adams-Oliver syndrome (AOS). Identifiers: Orphanet 974, MedGen C0265268, MONDO:0007034.
Adams-Oliver syndrome 6 (AOS6). Identifiers: Orphanet 974, MedGen C4225271, MONDO:0014703, OMIM 616589.

Submissions (2):

Centre of Medical Genetics, University of Antwerp
Classification: Uncertain significance for Adams-Oliver syndrome 6. Last evaluated: 2017-12-01. Review status: criteria provided, single submitter. Criteria: Criteria for classifying variants, Center of Medical Genetics Antwerp, 2018. Collection method: research. Allele origin: maternal. Affected: yes.

Centre of Medical Genetics, University of Antwerp
Classification: Pathogenic for Adams-Oliver Syndrome. Review status: flagged submission. Criteria: Submitter's publication. Collection method: research. Allele origin: maternal. Affected: yes. Not counted in ClinVar's aggregate classification.
ClinVar note: Reason: Claim with insufficient supporting evidence

Literature cited by the submitters: PubMed 29924900.

NM_019074.4(DLL4):c.799C>A (p.Pro267Thr)

Gene: DLL4 (delta like canonical Notch ligand 4; plus strand). Cytogenetic location: 15q15.1.
Variant type: single nucleotide variant.
Coding change: c.799C>A on transcript NM_019074.4 (MANE Select); coding-DNA position 799, C replaced by A.
Protein change: p.Pro267Thr; replaces proline 267 with threonine.
Molecular consequence: missense variant.
Genome position (GRCh38, 1-based): chr15:40,932,396, C>A. VCF-style: chr15-40932396-C-A. GRCh37 (hg19) VCF-style: chr15-41224594-C-A.
Other names: short protein forms P267T.
Identifiers: ClinVar variation 204374 (VCV000204374.2), dbSNP rs796065349, ClinGen allele CA204438.